The following is an entry in ClinVar:

NM_003560.4(PLA2G6):c.751C>A (p.Pro251Thr)

Gene: PLA2G6 (phospholipase A2 group VI; minus strand). Cytogenetic location: 22q13.1.
Variant type: single nucleotide variant.
Coding change: c.751C>A on transcript NM_003560.4 (MANE Select); coding-DNA position 751, C replaced by A.
Protein change: p.Pro251Thr; replaces proline 251 with threonine.
Molecular consequence: missense variant. On other transcripts: intron variant (1).
Genome position (GRCh38, 1-based): chr22:38,140,028, G>T on the plus strand (C>A on the coding strand, the complement: PLA2G6 is on the minus strand). VCF-style: chr22-38140028-G-T. GRCh37 (hg19) VCF-style: chr22-38536035-G-T.
Other names: c.751C>A, p.Pro251Thr (NM_001004426.3, NM_001199562.3, NM_001349864.2 and 2 more transcripts); c.217C>A, p.Pro73Thr (NM_001349867.2, NM_001349869.2); c.119+3077C>A (NM_001349868.2); short protein forms P73T, P251T.
Identifiers: ClinVar variation 2319119 (VCV002319119.3), dbSNP rs1289734612, ClinGen allele CA411531325.

ClinVar aggregate classification (germline): Uncertain significance. Review status: criteria provided, multiple submitters, no conflicts (2 of 4 stars). 2 submissions from 2 submitters: Uncertain significance (2). Last evaluated 2024-11-07.

Conditions:
Inborn genetic diseases. Identifiers: MedGen C0950123, MeSH D030342.

Allele frequency attached by ClinVar (database versions not stated): TOPMed 0.00002; gnomAD 0.00003; gnomAD exomes 0.00006.
gnomAD v4.1: 85 of 1,611,932 alleles (0.0053%); highest among the groups gnomAD compares: Non-Finnish European, 0.0067%; no homozygotes.

Submissions (2):

GeneDx
Classification: Uncertain significance. Last evaluated: 2024-11-07. Review status: criteria provided, single submitter. Criteria: GeneDx Variant Classification Process June 2021. Collection method: clinical testing. Allele origin: germline. Affected: yes.
Comment: Not observed at significant frequency in large population cohorts (gnomAD); In silico analysis indicates that this missense variant does not alter protein structure/function; Has not been previously published as pathogenic or benign to our knowledge

Ambry Genetics
Classification: Uncertain significance for Inborn genetic diseases. Last evaluated: 2022-10-25. Review status: criteria provided, single submitter. Criteria: Ambry Variant Classification Scheme 2023. Collection method: clinical testing. Allele origin: germline.